The following is an entry in ClinVar:

NM_014319.5(LEMD3):c.913A>G (p.Arg305Gly)

Gene: LEMD3 (LEM domain containing 3; plus strand). Cytogenetic location: 12q14.3.
Variant type: single nucleotide variant.
Coding change: c.913A>G on transcript NM_014319.5 (MANE Select); coding-DNA position 913, A replaced by G.
Protein change: p.Arg305Gly; replaces arginine 305 with glycine.
Molecular consequence: missense variant.
Genome position (GRCh38, 1-based): chr12:65,170,509, A>G. VCF-style: chr12-65170509-A-G. GRCh37 (hg19) VCF-style: chr12-65564289-A-G.
Other names: c.913A>G, p.Arg305Gly (NM_001167614.2); short protein forms R305G.
Identifiers: ClinVar variation 1925797 (VCV001925797.5), dbSNP rs200784504, ClinGen allele CA6670799.

ClinVar aggregate classification (germline): Uncertain significance (1 of 4 stars; one submission).

Allele frequency attached by ClinVar (database versions not stated): ExAC 0.00001; TOPMed 0.00002; gnomAD 0.00003; 1000 Genomes Project 30x 0.00016; 1000 Genomes Project 0.00020.
gnomAD v4.1: 17 of 1,614,102 alleles (0.0011%); highest among the groups gnomAD compares: East Asian, 0.022%; no homozygotes.

Submission:

Labcorp Genetics (formerly Invitae), Labcorp
Classification: Uncertain significance. Last evaluated: 2024-05-23. Review status: criteria provided, single submitter. Criteria: Invitae Variant Classification Sherloc (09022015). Collection method: clinical testing. Allele origin: germline.
Comment: This sequence change replaces arginine, which is basic and polar, with glycine, which is neutral and non-polar, at codon 305 of the LEMD3 protein (p.Arg305Gly). This variant is present in population databases (rs200784504, gnomAD 0.04%). This variant has not been reported in the literature in individuals affected with LEMD3-related conditions. ClinVar contains an entry for this variant (Variation ID: 1925797). Advanced modeling of protein sequence and biophysical properties (such as structural, functional, and spatial information, amino acid conservation, physicochemical variation, residue mobility, and thermodynamic stability) performed at Invitae indicates that this missense variant is not expected to disrupt LEMD3 protein function with a negative predictive value of 80%. In summary, the available evidence is currently insufficient to determine the role of this variant in disease. Therefore, it has been classified as a Variant of Uncertain Significance.